The following is an entry in ClinVar:

NM_001267550.2(TTN):c.89933_89934del (p.Arg29978fs)

Genes: TTN-AS1 (TTN antisense RNA 1; plus strand), TTN (titin; minus strand). Cytogenetic location: 2q31.2.
Variant type: Microsatellite.
Coding change: c.89933_89934del on transcript NM_001267550.2 (MANE Select); coding-DNA positions 89933 to 89934, 2 bases deleted (GA; older notation c.89933_89934delGA).
Protein change: p.Arg29978fs; shifts the reading frame from arginine 29978.
Molecular consequence: frameshift variant.
Genome position (GRCh38, 1-based): chr2:178,552,966-178,552,967, TC deleted on the plus strand (GA on the coding strand, the reverse complement: TTN is on the minus strand); deleting any 2 consecutive bases within chr2:178,552,966-178,552,970 gives the same sequence; the c. name uses the placement nearest the transcript's 3' end. VCF-style (leftmost placement, unchanged base first): chr2-178552965-TTC-T. GRCh37 (hg19) VCF-style: chr2-179417692-TTC-T.
Other names: c.85010_85011del, p.Arg28337fs (NM_001256850.1); c.62738_62739del, p.Arg20913fs (NM_003319.4); c.82229_82230del, p.Arg27410fs (NM_133378.4); c.63113_63114del, p.Arg21038fs (NM_133432.3); c.63314_63315del, p.Arg21105fs (NM_133437.4); short protein forms R20913fs, R21038fs, R21105fs, R27410fs, R28337fs, R29978fs.
Identifiers: ClinVar variation 3759754 (VCV003759754.2).
Genomic context (GRCh38, chr2:178,552,965, plus strand): 5'-CCGACAAATCTATTAGCTTGAAGGATGTGCTAGAACATTTGTGTGACACGACAGACCATG[TTC>T]TCTTGGTGGCATCTCTCTTTTCAATGACATAATTAATTATTGGAGATCCTCCATCAATGA-3'

ClinVar aggregate classification (germline): Likely pathogenic (1 of 4 stars; one submission).

Conditions:
Dilated cardiomyopathy 1G (CMD1G). Identifiers: Orphanet 154, MedGen C1858763, MONDO:0011400, OMIM 604145.
Autosomal recessive limb-girdle muscular dystrophy type 2J (LGMDR10). Also called: Limb-girdle muscular dystrophy, type 2J; MUSCULAR DYSTROPHY, LIMB-GIRDLE, AUTOSOMAL RECESSIVE 10. Identifiers: Orphanet 140922, MedGen C1837342, MONDO:0012127, OMIM 608807.

Submission:

Labcorp Genetics (formerly Invitae), Labcorp
Classification: Likely pathogenic for Dilated cardiomyopathy 1G; Autosomal recessive limb-girdle muscular dystrophy type 2J. Last evaluated: 2024-11-11. Review status: criteria provided, single submitter. Criteria: Invitae Variant Classification Sherloc (09022015). Collection method: clinical testing. Allele origin: germline.
Comment: This sequence change creates a premature translational stop signal (p.Arg29978Asnfs*11) in the TTN gene. While this is not anticipated to result in nonsense mediated decay, it is expected to create a truncated TTN protein. This variant is not present in population databases (gnomAD no frequency). This variant has not been reported in the literature in individuals affected with TTN-related conditions. This variant is located in the A band of TTN (PMID: 25589632). Truncating variants in this region are significantly overrepresented in patients affected with dilated cardiomyopathy (PMID: 25589632). Truncating variants in this region have also been reported in individuals affected with autosomal recessive centronuclear myopathy (PMID: 23975875). In summary, the currently available evidence indicates that the variant is pathogenic, but additional data are needed to prove that conclusively. Therefore, this variant has been classified as Likely Pathogenic.

Literature cited by the submitters: PubMed 25589632; PubMed 23975875.